The following is an entry in ClinVar:

ClinVar aggregate classification (germline): Conflicting classifications of pathogenicity. Review status: criteria provided, conflicting classifications (1 of 4 stars). 4 submissions from 4 submitters: Uncertain significance (3); Likely benign (1). Last evaluated 2025-08-28.

Conditions:
Hereditary cancer-predisposing syndrome. Also called: Hereditary Cancer Syndrome; Hereditary neoplastic syndrome; Neoplastic Syndromes, Hereditary; Tumor predisposition. Identifiers: Orphanet 140162, MedGen C0027672, MeSH D009386, MONDO:0015356.

Allele frequency attached by ClinVar (database versions not stated): TOPMed below 0.00001; gnomAD 0.00001; gnomAD exomes 0.00002; ExAC 0.00003.
gnomAD v4.1: 28 of 1,612,710 alleles (0.0017%); highest among the groups gnomAD compares: Non-Finnish European, 0.0023%; no homozygotes.

Submissions (4):

GeneDx
Classification: Uncertain significance. Last evaluated: 2025-08-28. Review status: criteria provided, single submitter. Criteria: GeneDx Variant Classification Process June 2021. Collection method: clinical testing. Allele origin: germline. Affected: yes.
Comment: Not observed at significant frequency in large population cohorts (gnomAD); In silico analysis supports that this missense variant has a deleterious effect on protein structure/function; Has not been previously published as pathogenic or benign to our knowledge

Labcorp Genetics (formerly Invitae), Labcorp
Classification: Uncertain significance. Last evaluated: 2025-01-20. Review status: criteria provided, single submitter. Criteria: Invitae Variant Classification Sherloc (09022015). Collection method: clinical testing. Allele origin: germline.
Comment: This sequence change replaces arginine, which is basic and polar, with cysteine, which is neutral and slightly polar, at codon 1294 of the POLE protein (p.Arg1294Cys). This variant is present in population databases (rs770966534, gnomAD 0.004%). This variant has not been reported in the literature in individuals affected with POLE-related conditions. ClinVar contains an entry for this variant (Variation ID: 405712). Invitae Evidence Modeling of protein sequence and biophysical properties (such as structural, functional, and spatial information, amino acid conservation, physicochemical variation, residue mobility, and thermodynamic stability) indicates that this missense variant is not expected to disrupt POLE protein function with a negative predictive value of 80%. In summary, the available evidence is currently insufficient to determine the role of this variant in disease. Therefore, it has been classified as a Variant of Uncertain Significance.

Ambry Genetics
Classification: Likely benign for Hereditary cancer-predisposing syndrome. Last evaluated: 2025-01-07. Review status: criteria provided, single submitter. Criteria: Ambry Variant Classification Scheme 2023. Collection method: clinical testing. Allele origin: germline.

Sema4
Classification: Uncertain significance for Hereditary cancer-predisposing syndrome. Last evaluated: 2021-05-10. Review status: criteria provided, single submitter. Criteria: Sema4 Curation Guidelines. Collection method: curation. Allele origin: germline.
Comment: The POLE c.3880C>T (p.R1294C) variant has not been reported in the literature to our knowledge. This variant was observed in 4/110352 chromosomes in the Non-Finnish European subpopulation according to the Genome Aggregation Database (PMID: 32461654). This variant has been reported in ClinVar (Variation ID: 405712). In silico tools suggest the impact of the variant on protein function is inconclusive, though these predictions have not been confirmed by functional studies. The overall evidence is insufficient to meet ACMG/AMP criteria for classifying it as benign or pathogenic. In summary, the clinical significance of this variant is currently uncertain.

NM_006231.4(POLE):c.3880C>T (p.Arg1294Cys)

Gene: POLE (DNA polymerase epsilon, catalytic subunit; minus strand). Cytogenetic location: 12q24.33.
Variant type: single nucleotide variant.
Coding change: c.3880C>T on transcript NM_006231.4 (MANE Select); coding-DNA position 3880, C replaced by T.
Protein change: p.Arg1294Cys; replaces arginine 1294 with cysteine.
Molecular consequence: missense variant.
Genome position (GRCh38, 1-based): chr12:132,649,431, G>A on the plus strand (C>T on the coding strand, the complement: POLE is on the minus strand). VCF-style: chr12-132649431-G-A. GRCh37 (hg19) VCF-style: chr12-133226017-G-A.
Other names: c.3880C>T (NM_006231.2); short protein forms R1294C.
Identifiers: ClinVar variation 405712 (VCV000405712.14), dbSNP rs770966534, ClinGen allele CA6893066.